The following is an entry in ClinVar:

ClinVar aggregate classification (germline): Uncertain significance (1 of 4 stars; one submission).

Conditions:
Cardiovascular phenotype. Identifiers: MedGen CN230736.

Submission:

Ambry Genetics
Classification: Uncertain significance for Cardiovascular phenotype. Last evaluated: 2026-04-13. Review status: criteria provided, single submitter. Criteria: Ambry Variant Classification Scheme 2023. Collection method: clinical testing. Allele origin: germline.
Comment: The p.H394Y variant (also known as c.1180C>T), located in coding exon 10 of the PTPN11 gene, results from a C to T substitution at nucleotide position 1180. The histidine at codon 394 is replaced by tyrosine, an amino acid with similar properties. This amino acid position is conserved. In addition, the in silico prediction for this alteration is inconclusive. Based on the available evidence, the clinical significance of this variant remains unclear.

NM_002834.5(PTPN11):c.1180C>T (p.His394Tyr)

Gene: PTPN11 (protein tyrosine phosphatase non-receptor type 11; plus strand). Cytogenetic location: 12q24.13.
Variant type: single nucleotide variant.
Coding change: c.1180C>T on transcript NM_002834.5 (MANE Select); coding-DNA position 1180, C replaced by T.
Protein change: p.His394Tyr; replaces histidine 394 with tyrosine.
Molecular consequence: missense variant.
Genome position (GRCh38, 1-based): chr12:112,482,161, C>T. VCF-style: chr12-112482161-C-T. GRCh37 (hg19) VCF-style: chr12-112919965-C-T.
Other names: c.1180C>T, p.His394Tyr (NM_001330437.2, NM_080601.3); c.1177C>T, p.His393Tyr (NM_001374625.1); short protein forms H393Y, H394Y.
Identifiers: ClinVar variation 4862749 (VCV004862749.1).
Genomic context (GRCh38, chr12:112,482,161, plus strand): 5'-GAGTATGCTCTAAAAGAATATGGCGTCATGCGTGTTAGGAACGTCAAAGAAAGCGCCGCT[C>T]ATGACTATACGCTAAGAGAACTTAAACTTTCAAAGGTTGGACAAGTAAGTATATTGTCGT-3'
Protein context (NP_002825.3, residues 384-404): RVRNVKESAA[His394Tyr]DYTLRELKLS